The following is an entry in ClinVar:

NM_001164508.2(NEB):c.4144C>G (p.His1382Asp)

Gene: NEB (nebulin; minus strand). Cytogenetic location: 2q23.3.
Variant type: single nucleotide variant.
Coding change: c.4144C>G on transcript NM_001164508.2 (MANE Select); coding-DNA position 4144, C replaced by G.
Protein change: p.His1382Asp; replaces histidine 1382 with aspartic acid.
Molecular consequence: missense variant.
Genome position (GRCh38, 1-based): chr2:151,672,524, G>C on the plus strand (C>G on the coding strand, the complement: NEB is on the minus strand). VCF-style: chr2-151672524-G-C. GRCh37 (hg19) VCF-style: chr2-152529038-G-C.
Other names: c.4144C>G, p.His1382Asp (NM_001164507.2, NM_001271208.2, NM_004543.5); short protein forms H1382D.
Identifiers: ClinVar variation 1504754 (VCV001504754.8), dbSNP rs2099313352, ClinGen allele CA348816700.

ClinVar aggregate classification (germline): Uncertain significance (1 of 4 stars; one submission).

Conditions:
Nemaline myopathy 2 (NEM2). Also called: Nemaline myopathy 2, autosomal recessive. Identifiers: MedGen C1850569, MONDO:0009725, OMIM 256030.

gnomAD v4.1: 1 of 1,614,018 alleles (0.000062%); highest among the groups gnomAD compares: Non-Finnish European, 0.000085%; no homozygotes.

Submission:

Labcorp Genetics (formerly Invitae), Labcorp
Classification: Uncertain significance for Nemaline myopathy 2. Last evaluated: 2020-10-28. Review status: criteria provided, single submitter. Criteria: Invitae Variant Classification Sherloc (09022015). Collection method: clinical testing. Allele origin: germline.
Comment: In summary, the available evidence is currently insufficient to determine the role of this variant in disease. Therefore, it has been classified as a Variant of Uncertain Significance. Algorithms developed to predict the effect of missense changes on protein structure and function are either unavailable or do not agree on the potential impact of this missense change (SIFT: "Deleterious"; PolyPhen-2: "Not Available"; Align-GVGD: "Class C0"). This variant has not been reported in the literature in individuals with NEB-related conditions. This variant is not present in population databases (ExAC no frequency). This sequence change replaces histidine with aspartic acid at codon 1382 of the NEB protein (p.His1382Asp). The histidine residue is moderately conserved and there is a moderate physicochemical difference between histidine and aspartic acid.